The following is an entry in ClinVar:

ClinVar aggregate classification (germline): Pathogenic (1 of 4 stars; one submission).

Submission:

Labcorp Genetics (formerly Invitae), Labcorp
Classification: Pathogenic. Last evaluated: 2023-07-17. Review status: criteria provided, single submitter. Criteria: Invitae Variant Classification Sherloc (09022015). Collection method: clinical testing. Allele origin: germline.
Comment: For these reasons, this variant has been classified as Pathogenic. This sequence change creates a premature translational stop signal (p.Arg217Alafs*45) in the SLC5A5 gene. It is expected to result in an absent or disrupted protein product. Loss-of-function variants in SLC5A5 are known to be pathogenic (PMID: 9388506, 9486973). This variant is not present in population databases (gnomAD no frequency). This variant has not been reported in the literature in individuals affected with SLC5A5-related conditions.

Literature cited by the submitters: PubMed 9388506; PubMed 9486973.

NM_000453.3(SLC5A5):c.649del (p.Arg217fs)

Gene: SLC5A5 (solute carrier family 5 member 5; plus strand). Cytogenetic location: 19p13.11.
Variant type: Deletion.
Coding change: c.649del on transcript NM_000453.3 (MANE Select); coding-DNA position 649, one base deleted (C; older notation c.649delC).
Protein change: p.Arg217fs; shifts the reading frame from arginine 217.
Molecular consequence: frameshift variant.
Genome position (GRCh38, 1-based): chr19:17,876,057, C deleted; the last of 4 consecutive C bases (chr19:17,876,054-17,876,057); deleting any one gives the same sequence. VCF-style (leftmost placement, unchanged base first): chr19-17876053-GC-G. GRCh37 (hg19) VCF-style: chr19-17986862-GC-G.
Other names: short protein forms R217fs.
Identifiers: ClinVar variation 2744488 (VCV002744488.3), dbSNP rs2514620296, ClinGen allele CA2697556423.